The following is an entry in ClinVar:

NM_032444.4(SLX4):c.883T>C (p.Phe295Leu)

Gene: SLX4 (SLX4 structure-specific endonuclease subunit; minus strand). Cytogenetic location: 16p13.3.
Variant type: single nucleotide variant.
Coding change: c.883T>C on transcript NM_032444.4 (MANE Select); coding-DNA position 883, T replaced by C.
Protein change: p.Phe295Leu; replaces phenylalanine 295 with leucine.
Molecular consequence: missense variant.
Genome position (GRCh38, 1-based): chr16:3,602,185, A>G on the plus strand (T>C on the coding strand, the complement: SLX4 is on the minus strand). VCF-style: chr16-3602185-A-G. GRCh37 (hg19) VCF-style: chr16-3652186-A-G.
Other names: short protein forms F295L.
Identifiers: ClinVar variation 2086633 (VCV002086633.4), dbSNP rs2548222288, ClinGen allele CA394532295.

ClinVar aggregate classification (germline): Uncertain significance (1 of 4 stars; one submission).

Conditions:
Fanconi anemia (FA). Also called: Fanconi's anemia. Identifiers: Orphanet 84, MedGen C0015625, MeSH D005199, MONDO:0019391.

Allele frequency attached by ClinVar (database versions not stated): gnomAD exomes below 0.00001.
gnomAD v4.1: 1 of 1,614,204 alleles (0.000062%); highest among the groups gnomAD compares: East Asian, 0.0022%; no homozygotes.

Submission:

Labcorp Genetics (formerly Invitae), Labcorp
Classification: Uncertain significance for Fanconi anemia. Last evaluated: 2022-05-06. Review status: criteria provided, single submitter. Criteria: Invitae Variant Classification Sherloc (09022015). Collection method: clinical testing. Allele origin: germline.
Comment: This sequence change replaces phenylalanine, which is neutral and non-polar, with leucine, which is neutral and non-polar, at codon 295 of the SLX4 protein (p.Phe295Leu). This variant is not present in population databases (gnomAD no frequency). This variant has not been reported in the literature in individuals affected with SLX4-related conditions. Algorithms developed to predict the effect of missense changes on protein structure and function are either unavailable or do not agree on the potential impact of this missense change (SIFT: "Deleterious"; PolyPhen-2: "Probably Damaging"; Align-GVGD: "Class C0"). In summary, the available evidence is currently insufficient to determine the role of this variant in disease. Therefore, it has been classified as a Variant of Uncertain Significance.